The following is an entry in ClinVar:

NM_000352.6(ABCC8):c.3754-1G>A

Gene: ABCC8 (ATP binding cassette subfamily C member 8; minus strand). Cytogenetic location: 11p15.1.
Variant type: single nucleotide variant.
Coding change: c.3754-1G>A on transcript NM_000352.6 (MANE Select); the canonical splice acceptor site of the intron before coding-DNA position 3754, G replaced by A.
Molecular consequence: splice acceptor variant.
Genome position (GRCh38, 1-based): chr11:17,397,798, C>T on the plus strand (G>A on the coding strand, the complement: ABCC8 is on the minus strand). VCF-style: chr11-17397798-C-T. GRCh37 (hg19) VCF-style: chr11-17419345-C-T.
Other names: c.3751-1G>A (NM_001351297.2); c.3754-1G>A (NM_001351296.2); c.3820-1G>A (NM_001351295.2); c.3757-1G>A (NM_001287174.3).
Identifiers: ClinVar variation 552603 (VCV000552603.9), dbSNP rs1554906449, ClinGen allele CA379793715.
Genomic context (GRCh38, chr11:17,397,798, plus strand): 5'-CAGGGAGTTGGAGATGGAGGTCACCGCTGCGATGAGCACCACACATGCACCGATGTACTC[C>T]TGGGGAGGGAGAGGAGCTGACCTGGGCGCTCAGGGGTTAGAGCCACAGGCCCCTGTTCTA-3'

ClinVar aggregate classification (germline): Conflicting classifications of pathogenicity. Review status: criteria provided, conflicting classifications (1 of 4 stars). 5 submissions from 4 submitters: Likely pathogenic (2); Uncertain significance (2). 1 of the submissions does not count toward it. Last evaluated 2024-02-20.

Conditions:
Hyperinsulinemic hypoglycemia, familial, 1 (HHF1). Also called: HYPERINSULINISM, FAMILIAL, WITH PANCREATIC NESIDIOBLASTOSIS; HYPOGLYCEMIA, HYPERINSULINEMIC, OF INFANCY; Persistent hyperinsulinemic hypoglycemia of infancy; NESIDIOBLASTOSIS OF PANCREAS; Persistent Hyperinsulinemia Hypoglycemia of Infancy. Identifiers: Orphanet 276575, Orphanet 276598, MedGen C2931832, MONDO:0009734, OMIM 256450.
Maturity-onset diabetes of the young (MODY). Also called: Maturity onset diabetes mellitus in young. Identifiers: Orphanet 552, MedGen C0342276, MONDO:0018911, HP:0004904.
Transitory neonatal diabetes mellitus. Also called: Transient neonatal diabetes mellitus. Identifiers: MedGen C0342273, MONDO:0020525, HP:0008255.
Type 2 diabetes mellitus. Also called: Type II diabetes mellitus. Identifiers: MedGen C0011860, MeSH D003924, MONDO:0005148, OMIM 125853, HP:0005978.

Submissions (5):

Baylor Genetics
Classification: Likely pathogenic for Type 2 diabetes mellitus. Last evaluated: 2024-02-20. Review status: criteria provided, single submitter. Criteria: ACMG Guidelines, 2015. Collection method: clinical testing. Allele origin: unknown.

Labcorp Genetics (formerly Invitae), Labcorp
Classification: Likely pathogenic. Last evaluated: 2022-02-20. Review status: criteria provided, single submitter. Criteria: Invitae Variant Classification Sherloc (09022015). Collection method: clinical testing. Allele origin: germline.
Comment: In summary, the currently available evidence indicates that the variant is pathogenic, but additional data are needed to prove that conclusively. Therefore, this variant has been classified as Likely Pathogenic. Algorithms developed to predict the effect of sequence changes on RNA splicing suggest that this variant may disrupt the consensus splice site. ClinVar contains an entry for this variant (Variation ID: 552603). This variant has not been reported in the literature in individuals affected with ABCC8-related conditions. This variant is not present in population databases (gnomAD no frequency). This sequence change affects an acceptor splice site in intron 30 of the ABCC8 gene. It is expected to disrupt RNA splicing. Variants that disrupt the donor or acceptor splice site typically lead to a loss of protein function (PMID: 16199547), and loss-of-function variants in ABCC8 are known to be pathogenic (PMID: 20685672, 23345197).

Clinical Genomics, Uppaluri K&H Personalized Medicine Clinic
Classification: Uncertain significance for Maturity-onset diabetes of the young. Review status: criteria provided, single submitter. Criteria: K & H Uppaluri Personalized Medicine Clinic Variant Classification & Assertion Criteria_Updated V.1. Collection method: research. Allele origin: somatic. Inheritance: Somatic mutation.
Comment: Mutations in ABCC8 gene are associated with both neonatal diabetes mellitus as well as MODY. Patients with this mutation may have a better response to sulfonylureas. However, no sufficient evidence is found to ascertain the role of this particular variant (rs1554906449) in MODY yet.

Clinical Genomics, Uppaluri K&H Personalized Medicine Clinic
Classification: Uncertain significance for Transitory neonatal diabetes mellitus. Review status: criteria provided, single submitter. Criteria: K & H Uppaluri Personalized Medicine Clinic Variant Classification & Assertion Criteria_Updated V.1. Collection method: research. Allele origin: somatic. Inheritance: Somatic mutation.
Comment: Mutations in ABCC8 gene are associated with both neonatal diabetes mellitus as well as MODY. Patients with this mutation may have a better response to sulfonylureas. However, no sufficient evidence is found to ascertain the role of this particular variant (rs1554906449) in neonatal diabetes yet.

Counsyl
Classification: Likely pathogenic for Hyperinsulinemic hypoglycemia, familial, 1. Last evaluated: 2017-06-27. Review status: no assertion criteria provided. Collection method: clinical testing. Allele origin: unknown. Not counted in ClinVar's aggregate classification.

Literature cited by the submitters: PubMed 16199547 (cited by Labcorp Genetics (formerly Invitae), Labcorp); PubMed 20685672 (cited by Labcorp Genetics (formerly Invitae), Labcorp); PubMed 23345197 (cited by Labcorp Genetics (formerly Invitae), Labcorp); PubMed 16885549 (cited by Clinical Genomics, Uppaluri K&H Personalized Medicine Clinic); PubMed 21989597 (cited by Clinical Genomics, Uppaluri K&H Personalized Medicine Clinic); PubMed 27538677 (cited by Clinical Genomics, Uppaluri K&H Personalized Medicine Clinic); PubMed 18981553 (cited by Clinical Genomics, Uppaluri K&H Personalized Medicine Clinic); PubMed 32027066 (cited by Clinical Genomics, Uppaluri K&H Personalized Medicine Clinic); PubMed 16613899 (cited by Clinical Genomics, Uppaluri K&H Personalized Medicine Clinic); PubMed 18025408 (cited by Clinical Genomics, Uppaluri K&H Personalized Medicine Clinic); PubMed 32792356 (cited by Clinical Genomics, Uppaluri K&H Personalized Medicine Clinic).